The following is an entry in ClinVar:

NM_003239.5(TGFB3):c.878del (p.Gln293fs)

Gene: TGFB3 (transforming growth factor beta 3; minus strand). Cytogenetic location: 14q24.3.
Variant type: Deletion.
Coding change: c.878del on transcript NM_003239.5 (MANE Select); coding-DNA position 878, one base deleted (A; older notation c.878delA).
Protein change: p.Gln293fs; shifts the reading frame from glutamine 293.
Molecular consequence: frameshift variant.
Genome position (GRCh38, 1-based): chr14:75,963,364, T deleted on the plus strand (A on the coding strand, the reverse complement: TGFB3 is on the minus strand). VCF-style (leftmost placement, unchanged base first): chr14-75963363-CT-C. GRCh37 (hg19) VCF-style: chr14-76429706-CT-C.
Other names: c.878del, p.Gln293fs (NM_001329938.2, NM_001329939.2); c.878del (NM_003239.2); c.878delA, p.Gln293Argfs (NM_003239.2); short protein forms Q293fs.
Identifiers: ClinVar variation 2117806 (VCV002117806.5), dbSNP rs2504099767, ClinGen allele CA2580088791.

ClinVar aggregate classification (germline): Pathogenic/Likely pathogenic. Review status: criteria provided, multiple submitters, no conflicts (2 of 4 stars). 2 submissions from 2 submitters: Pathogenic (1); Likely pathogenic (1). Last evaluated 2025-08-12.

Conditions:
Rienhoff syndrome. Also called: LOEYS-DIETZ SYNDROME 5. Identifiers: MedGen C3810012, MONDO:0014262, OMIM 615582.

Submissions (2):

Labcorp Genetics (formerly Invitae), Labcorp
Classification: Pathogenic for Rienhoff syndrome. Last evaluated: 2025-08-12. Review status: criteria provided, single submitter. Criteria: Invitae Variant Classification Sherloc (09022015). Collection method: clinical testing. Allele origin: germline.
Comment: This sequence change creates a premature translational stop signal (p.Gln293Argfs*76) in the TGFB3 gene. While this is not anticipated to result in nonsense mediated decay, it is expected to disrupt the last 120 amino acid(s) of the TGFB3 protein. This variant is not present in population databases (gnomAD no frequency). This variant has not been reported in the literature in individuals affected with TGFB3-related conditions. ClinVar contains an entry for this variant (Variation ID: 2117806). This variant disrupts a region of the TGFB3 protein in which other variant(s) (p.Arg300Trp) have been determined to be pathogenic (PMID: 25835445). This suggests that this is a clinically significant region of the protein, and that variants that disrupt it are likely to be disease-causing. For these reasons, this variant has been classified as Pathogenic.

GeneDx
Classification: Likely pathogenic. Last evaluated: 2025-02-03. Review status: criteria provided, single submitter. Criteria: GeneDx Variant Classification Process June 2021. Collection method: clinical testing. Allele origin: germline. Affected: yes.
Comment: Frameshift variant predicted to result in abnormal protein length as the last 120 amino acids are replaced with 75 different amino acids, and other similar variants have been reported in HGMD; Not observed at significant frequency in large population cohorts (gnomAD); Has not been previously published as pathogenic or benign to our knowledge

Literature cited by the submitters: PubMed 25835445 (cited by Labcorp Genetics (formerly Invitae), Labcorp).